The following is an entry in ClinVar:

NM_000158.4(GBE1):c.1634A>G (p.His545Arg)

Gene: GBE1 (1,4-alpha-glucan branching enzyme 1; minus strand). Cytogenetic location: 3p12.2.
Variant type: single nucleotide variant.
Coding change: c.1634A>G on transcript NM_000158.4 (MANE Select); coding-DNA position 1634, A replaced by G.
Protein change: p.His545Arg; replaces histidine 545 with arginine.
Molecular consequence: missense variant.
Genome position (GRCh38, 1-based): chr3:81,537,080, T>C on the plus strand (A>G on the coding strand, the complement: GBE1 is on the minus strand). VCF-style: chr3-81537080-T-C. GRCh37 (hg19) VCF-style: chr3-81586231-T-C.
Other names: c.1634A>G; short protein forms H545R.
Identifiers: ClinVar variation 2785 (VCV000002785.8), dbSNP rs137852889, ClinGen allele CA115756.
Genomic context (GRCh38, chr3:81,537,080, plus strand): 5'-CGCCTGGCATAATGGTAACTCTCATTATTTCCTTTTCTTGGGAAGTCTAACCATTCAGGA[T>C]GCCCAAATTCATTACCTGCATTACAAAACACATGCAAATATCAGCCTATTAATATTAGAA-3'
Protein context (NP_000149.4, residues 535-555): YLNFMGNEFG[His545Arg]PEWLDFPRKG

ClinVar aggregate classification (germline): Likely pathogenic. Review status: criteria provided, single submitter (1 of 4 stars). 3 submissions from 3 submitters: Likely pathogenic (1). 2 of the submissions do not count toward it. Last evaluated 2024-01-29.

Conditions:
Glycogen storage disease, type IV (GSD4). Also called: AMYLOPECTINOSIS; ANDERSEN DISEASE; BRANCHER DEFICIENCY; Glycogen storage disease due to glycogen branching enzyme deficiency; CIRRHOSIS, FAMILIAL, WITH DEPOSITION OF ABNORMAL GLYCOGEN; GBE1 DEFICIENCY. Identifiers: Orphanet 367, MedGen C0017923, MONDO:0009292, OMIM 232500.
Glycogen storage disease IV, classic hepatic. Also called: GSD IV, CLASSIC HEPATIC. Identifiers: MedGen C1856301.
Glycogen storage disease due to glycogen branching enzyme deficiency, fatal perinatal neuromuscular form. Also called: Gsd IV, neuromuscular form, fatal perinatal; Glycogen storage disease IV, fatal perinatal neuromuscular. Identifiers: Orphanet 308655, MedGen C1856303, MONDO:0017697.

Submissions (3):

Labcorp Genetics (formerly Invitae), Labcorp
Classification: Likely pathogenic for Glycogen storage disease, type IV; Glycogen storage disease IV, classic hepatic. Last evaluated: 2024-01-29. Review status: criteria provided, single submitter. Criteria: Invitae Variant Classification Sherloc (09022015). Collection method: clinical testing. Allele origin: germline.
Comment: This sequence change replaces histidine, which is basic and polar, with arginine, which is basic and polar, at codon 545 of the GBE1 protein (p.His545Arg). This variant is not present in population databases (gnomAD no frequency). This missense change has been observed in individual(s) with glycogen storage disease (PMID: 15452297). It has also been observed to segregate with disease in related individuals. ClinVar contains an entry for this variant (Variation ID: 2785). Advanced modeling of protein sequence and biophysical properties (such as structural, functional, and spatial information, amino acid conservation, physicochemical variation, residue mobility, and thermodynamic stability) performed at Invitae indicates that this missense variant is expected to disrupt GBE1 protein function with a positive predictive value of 95%. In summary, the currently available evidence indicates that the variant is pathogenic, but additional data are needed to prove that conclusively. Therefore, this variant has been classified as Likely Pathogenic.

GeneReviews
Classification: Pathogenic for Adult Polyglucosan Body Disease. Last evaluated: 2009-04-02. Review status: no assertion criteria provided. Collection method: curation. Allele origin: unknown. Not counted in ClinVar's aggregate classification.
ClinVar note: Converted during submission from pathologic to Pathogenic.

OMIM
Classification: Pathogenic for GLYCOGEN STORAGE DISEASE IV, FATAL PERINATAL NEUROMUSCULAR. Last evaluated: 2004-09-28. Review status: no assertion criteria provided. Collection method: literature only. Allele origin: germline. Not counted in ClinVar's aggregate classification.

Literature cited by the submitters: PubMed 15452297 (cited by Labcorp Genetics (formerly Invitae), Labcorp and OMIM); PubMed 8247964 (cited by OMIM).